The following is an entry in ClinVar:

ClinVar aggregate classification (germline): Pathogenic (1 of 4 stars; one submission).

Conditions:
Pheochromocytoma/paraganglioma syndrome 5. Also called: Paragangliomas 5; SDHA-Related Hereditary Paraganglioma-Pheochromocytoma Syndrome. Identifiers: Orphanet 29072, MedGen C3279992, MONDO:0013602, OMIM 614165.
Mitochondrial complex II deficiency, nuclear type 1. Also called: SUCCINATE CoQ REDUCTASE DEFICIENCY. Identifiers: Orphanet 3208, MedGen C5700310, MONDO:0100294, OMIM 252011.

Submission:

Labcorp Genetics (formerly Invitae), Labcorp
Classification: Pathogenic for Pheochromocytoma/paraganglioma syndrome 5; Mitochondrial complex II deficiency, nuclear type 1. Last evaluated: 2022-10-17. Review status: criteria provided, single submitter. Criteria: Invitae Variant Classification Sherloc (09022015). Collection method: clinical testing. Allele origin: germline.
Comment: This variant has not been reported in the literature in individuals affected with SDHA-related conditions. For these reasons, this variant has been classified as Pathogenic. This variant is not present in population databases (gnomAD no frequency). This sequence change creates a premature translational stop signal (p.Lys616*) in the SDHA gene. It is expected to result in an absent or disrupted protein product. Loss-of-function variants in SDHA are known to be pathogenic (PMID: 22974104, 24781757).

Literature cited by the submitters: PubMed 22974104; PubMed 24781757.

NM_004168.4(SDHA):c.1846A>T (p.Lys616Ter)

Gene: SDHA (succinate dehydrogenase complex flavoprotein subunit A; plus strand). Cytogenetic location: 5p15.33.
Variant type: single nucleotide variant.
Coding change: c.1846A>T on transcript NM_004168.4 (MANE Select); coding-DNA position 1846, A replaced by T.
Protein change: p.Lys616Ter; replaces lysine 616 with a stop codon.
Molecular consequence: nonsense.
Genome position (GRCh38, 1-based): chr5:254,444, A>T. VCF-style: chr5-254444-A-T. GRCh37 (hg19) VCF-style: chr5-254559-A-T.
Other names: c.1702A>T, p.Lys568Ter (NM_001294332.2); c.1603A>T, p.Lys535Ter (NM_001330758.2); short protein forms K535*, K616*, K568*.
Identifiers: ClinVar variation 2035840 (VCV002035840.4), dbSNP rs1453752069, ClinGen allele CA359001927.
Genomic context (GRCh38, chr5:254,444, plus strand): 5'-TGGCCTCAGGTGCGGATTGATGAGTACGATTACTCCAAGCCCATCCAGGGGCAACAGAAG[A>T]AGCCCTTTGAGGAGCACTGGAGGAAGCACACCCTGTCCTATGTGGACGTTGGCACTGGGA-3'